The following is an entry in ClinVar:

NM_001371928.1(AHDC1):c.1326C>T (p.Gly442=)

Gene: AHDC1 (AT-hook DNA binding motif containing 1; minus strand). Cytogenetic location: 1p36.11.
Variant type: single nucleotide variant.
Coding change: c.1326C>T on transcript NM_001371928.1 (MANE Select); coding-DNA position 1326, C replaced by T.
Protein change: p.Gly442=; no amino-acid change (glycine 442 retained).
Molecular consequence: synonymous variant.
Genome position (GRCh38, 1-based): chr1:27,550,790, G>A on the plus strand (C>T on the coding strand, the complement: AHDC1 is on the minus strand). VCF-style: chr1-27550790-G-A. GRCh37 (hg19) VCF-style: chr1-27877301-G-A.
Other names: c.1326C>T, p.Gly442= (NM_001029882.3).
Identifiers: ClinVar variation 1197781 (VCV001197781.47), dbSNP rs188125472, ClinGen allele CA715967.
Genomic context (GRCh38, chr1:27,550,790, plus strand): 5'-AGAGACCACTGGGGTCTGGGAAGATTCCGGCTTCAACTCTGGGACTGAGACCGGGCCTGG[G>A]CCTGGCAGGGCAGGGGGTGGAGGAGGCGGTGGTGGTGGGGGTTCGGCCAGGGCAGCCACC-3'
Protein context (NP_001358857.1, residues 432-452): PPPPPPPALP[Gly442=]PGPVSVPELK

ClinVar aggregate classification (germline): Benign/Likely benign. Review status: criteria provided, multiple submitters, no conflicts (2 of 4 stars). 7 submissions from 7 submitters: Benign (4); Likely benign (2). 1 of the submissions does not count toward it. Last evaluated 2026-09-01.

Conditions:
AHDC1-related intellectual disability - obstructive sleep apnea - mild dysmorphism syndrome. Also called: Xia-Gibbs syndrome. Identifiers: Orphanet 412069, MedGen C4014419, MONDO:0014358, OMIM 615829.
AHDC1-related disorder. Also called: AHDC1-related condition.

Allele frequency attached by ClinVar (database versions not stated): 1000 Genomes Project 30x 0.00312; 1000 Genomes Project 0.00319; gnomAD exomes 0.00685 and 0.01134; gnomAD 0.00734 and 0.00758; TOPMed 0.00760; ESP Exome Variant Server 0.00874; ExAC 0.01018.

Submissions (7):

CeGaT Center for Human Genetics Tuebingen
Classification: Benign. Last evaluated: 2026-09-01. Review status: criteria provided, single submitter. Criteria: CeGaT Center For Human Genetics Tuebingen Variant Classification Criteria Version 2. Collection method: clinical testing. Allele origin: germline. Affected: yes. Observed: 53 variant alleles.
Comment: AHDC1: BP4, BP7, BS1, BS2

Labcorp Genetics (formerly Invitae), Labcorp
Classification: Benign. Last evaluated: 2026-02-01. Review status: criteria provided, single submitter. Criteria: Invitae Variant Classification Sherloc (09022015). Collection method: clinical testing. Allele origin: germline.

Genome-Nilou Lab
Classification: Benign for AHDC1-related intellectual disability - obstructive sleep apnea - mild dysmorphism syndrome. Last evaluated: 2021-12-05. Review status: criteria provided, single submitter. Criteria: ACMG Guidelines, 2015. Collection method: clinical testing. Allele origin: germline. Affected: no.

GeneDx
Classification: Likely benign. Last evaluated: 2020-11-10. Review status: criteria provided, single submitter. Criteria: GeneDx Variant Classification Process June 2021. Collection method: clinical testing. Allele origin: germline. Affected: yes.

Genetic Services Laboratory, University of Chicago
Classification: Benign. Last evaluated: 2019-11-19. Review status: criteria provided, single submitter. Criteria: ACMG Guidelines, 2015. Collection method: clinical testing. Allele origin: germline. Affected: no.

Breakthrough Genomics
Classification: Likely benign. Review status: criteria provided, single submitter. Criteria: ACMG Guidelines, 2015. Collection method: not provided. Allele origin: germline. Inheritance: Autosomal dominant inheritance. Affected: yes.

PreventionGenetics, part of Exact Sciences
Classification: Benign for AHDC1-related condition. Last evaluated: 2020-10-13. Review status: no assertion criteria provided. Collection method: clinical testing. Allele origin: germline. Not counted in ClinVar's aggregate classification.
Comment: This variant is classified as benign based on ACMG/AMP sequence variant interpretation guidelines (Richards et al. 2015 PMID: 25741868, with internal and published modifications).